The following is an entry in ClinVar:

ClinVar aggregate classification (germline): Uncertain significance. Review status: criteria provided, multiple submitters, no conflicts (2 of 4 stars). 2 submissions from 2 submitters: Uncertain significance (2). Last evaluated 2026-01-24.

Allele frequency attached by ClinVar (database versions not stated): gnomAD 0.00001; gnomAD exomes 0.00003; TOPMed 0.00003; ExAC 0.00004.
gnomAD v4.1: 66 of 1,558,730 alleles (0.0042%); highest among the groups gnomAD compares: Middle Eastern, 0.017%; no homozygotes.

Submissions (2):

Labcorp Genetics (formerly Invitae), Labcorp
Classification: Uncertain significance. Last evaluated: 2026-01-24. Review status: criteria provided, single submitter. Criteria: Invitae Variant Classification Sherloc (09022015). Collection method: clinical testing. Allele origin: germline.
Comment: This sequence change replaces valine, which is neutral and non-polar, with isoleucine, which is neutral and non-polar, at codon 854 of the CACNA2D4 protein (p.Val854Ile). The frequency data for this variant in the population databases is considered unreliable, as metrics indicate poor data quality at this position in the gnomAD database. This variant has not been reported in the literature in individuals affected with CACNA2D4-related conditions. ClinVar contains an entry for this variant (Variation ID: 970124). An algorithm developed to predict the effect of missense changes on protein structure and function outputs the following: PolyPhen-2: "Benign". The isoleucine amino acid residue is found in multiple mammalian species, which suggests that this missense change does not adversely affect protein function. In summary, the available evidence is currently insufficient to determine the role of this variant in disease. Therefore, it has been classified as a Variant of Uncertain Significance.

Blueprint Genetics
Classification: Uncertain significance. Last evaluated: 2024-11-05. Review status: criteria provided, single submitter. Criteria: ACMG Guidelines, 2015. Collection method: clinical testing. Allele origin: germline.

NM_172364.5(CACNA2D4):c.2560G>A (p.Val854Ile)

Gene: CACNA2D4 (calcium voltage-gated channel auxiliary subunit alpha2delta 4; minus strand). Cytogenetic location: 12p13.33.
Variant type: single nucleotide variant.
Coding change: c.2560G>A on transcript NM_172364.5 (MANE Select); coding-DNA position 2560, G replaced by A.
Protein change: p.Val854Ile; replaces valine 854 with isoleucine.
Molecular consequence: missense variant.
Genome position (GRCh38, 1-based): chr12:1,811,715, C>T on the plus strand (G>A on the coding strand, the complement: CACNA2D4 is on the minus strand). VCF-style: chr12-1811715-C-T. GRCh37 (hg19) VCF-style: chr12-1920881-C-T.
Other names: short protein forms V854I.
Identifiers: ClinVar variation 970124 (VCV000970124.10), dbSNP rs777831879, ClinGen allele CA6386306.